The following is an entry in ClinVar:

ClinVar aggregate classification (germline): Uncertain significance (1 of 4 stars; one submission).

gnomAD v4.1: 7 of 1,611,090 alleles (0.00043%); highest among the groups gnomAD compares: African/African-American, 0.0013%; no homozygotes.

Submission:

Labcorp Genetics (formerly Invitae), Labcorp
Classification: Uncertain significance. Last evaluated: 2024-05-01. Review status: criteria provided, single submitter. Criteria: Invitae Variant Classification Sherloc (09022015). Collection method: clinical testing. Allele origin: germline.
Comment: This sequence change replaces arginine, which is basic and polar, with glutamine, which is neutral and polar, at codon 591 of the IL6ST protein (p.Arg591Gln). This variant is present in population databases (rs138224059, gnomAD 0.0009%). This variant has not been reported in the literature in individuals affected with IL6ST-related conditions. An algorithm developed to predict the effect of missense changes on protein structure and function (PolyPhen-2) suggests that this variant is likely to be tolerated. In summary, the available evidence is currently insufficient to determine the role of this variant in disease. Therefore, it has been classified as a Variant of Uncertain Significance.

NM_002184.4(IL6ST):c.1772G>A (p.Arg591Gln)

Gene: IL6ST (interleukin 6 cytokine family signal transducer; minus strand). Cytogenetic location: 5q11.2.
Variant type: single nucleotide variant.
Coding change: c.1772G>A on transcript NM_002184.4 (MANE Select); coding-DNA position 1772, G replaced by A.
Protein change: p.Arg591Gln; replaces arginine 591 with glutamine.
Molecular consequence: missense variant. On other transcripts: 3 prime UTR variant (1), non-coding transcript variant (2).
Genome position (GRCh38, 1-based): chr5:55,951,532, C>T on the plus strand (G>A on the coding strand, the complement: IL6ST is on the minus strand). VCF-style: chr5-55951532-C-T. GRCh37 (hg19) VCF-style: chr5-55247360-C-T.
Other names: c.1589G>A, p.Arg530Gln (NM_001190981.2); c.1670G>A, p.Arg557Gln (NM_001364275.2); c.1562G>A, p.Arg521Gln (NM_001364276.2); c.905G>A, p.Arg302Gln (NM_001364277.2); c.869G>A, p.Arg290Gln (NM_001364278.2); c.776G>A, p.Arg259Gln (NM_001364279.2); c.*699G>A (NM_175767.3); short protein forms R259Q, R302Q, R521Q, R591Q, R290Q, R530Q, R557Q.
Identifiers: ClinVar variation 3719255 (VCV003719255.2).